The following is an entry in ClinVar:

ClinVar aggregate classification (germline): Conflicting classifications of pathogenicity. Review status: criteria provided, conflicting classifications (1 of 4 stars). 6 submissions from 6 submitters: Uncertain significance (4); Likely benign (1). 1 of the submissions does not count toward it. Last evaluated 2026-01-12.

Conditions:
Nemaline myopathy 2 (NEM2). Also called: Nemaline myopathy 2, autosomal recessive. Identifiers: MedGen C1850569, MONDO:0009725, OMIM 256030.
Inborn genetic diseases. Identifiers: MedGen C0950123, MeSH D030342.

Allele frequency attached by ClinVar (database versions not stated): gnomAD 0.00006 and 0.00007; gnomAD exomes 0.00006; TOPMed 0.00008; ExAC 0.00013; ESP Exome Variant Server 0.00025.
gnomAD v4.1: 137 of 1,558,552 alleles (0.0088%); highest among the groups gnomAD compares: Non-Finnish European, 0.011%; no homozygotes.

Submissions (6):

Labcorp Genetics (formerly Invitae), Labcorp
Classification: Likely benign for Nemaline myopathy 2. Last evaluated: 2026-01-12. Review status: criteria provided, single submitter. Criteria: Invitae Variant Classification Sherloc (09022015). Collection method: clinical testing. Allele origin: germline.

GeneDx
Classification: Uncertain significance. Last evaluated: 2025-02-13. Review status: criteria provided, single submitter. Criteria: GeneDx Variant Classification Process June 2021. Collection method: clinical testing. Allele origin: germline. Affected: yes.
Comment: Not observed at significant frequency in large population cohorts (gnomAD); In silico analysis supports that this missense variant does not alter protein structure/function; Has not been previously published as pathogenic or benign to our knowledge

Ambry Genetics
Classification: Uncertain significance for Inborn genetic diseases. Last evaluated: 2024-08-27. Review status: criteria provided, single submitter. Criteria: Ambry Variant Classification Scheme 2023. Collection method: clinical testing. Allele origin: germline.

Revvity Omics, Revvity
Classification: Uncertain significance. Last evaluated: 2020-06-19. Review status: criteria provided, single submitter. Criteria: ACMG Guidelines, 2015. Collection method: clinical testing. Allele origin: germline.

Illumina Laboratory Services, Illumina
Classification: Uncertain significance for Nemaline myopathy 2. Last evaluated: 2018-01-13. Review status: criteria provided, single submitter. Criteria: ICSL Variant Classification Criteria 13 December 2019. Collection method: clinical testing. Allele origin: germline.

Natera, Inc.
Classification: Uncertain significance for Nemaline myopathy type 2. Last evaluated: 2019-11-11. Review status: no assertion criteria provided. Collection method: clinical testing. Allele origin: germline. Not counted in ClinVar's aggregate classification.

NM_001164508.2(NEB):c.11116A>G (p.Ile3706Val)

Gene: NEB (nebulin; minus strand). Cytogenetic location: 2q23.3.
Variant type: single nucleotide variant.
Coding change: c.11116A>G on transcript NM_001164508.2 (MANE Select); coding-DNA position 11116, A replaced by G.
Protein change: p.Ile3706Val; replaces isoleucine 3706 with valine.
Molecular consequence: missense variant.
Genome position (GRCh38, 1-based): chr2:151,617,429, T>C on the plus strand (A>G on the coding strand, the complement: NEB is on the minus strand). VCF-style: chr2-151617429-T-C. GRCh37 (hg19) VCF-style: chr2-152473943-T-C.
Other names: c.11116A>G, p.Ile3706Val (NM_001164507.2, NM_001271208.2); c.10387A>G, p.Ile3463Val (NM_004543.5); short protein forms I3706V, I3463V.
Identifiers: ClinVar variation 331475 (VCV000331475.19), dbSNP rs199551865, ClinGen allele CA1908835.
Genomic context (GRCh38, chr2:151,617,429, plus strand): 5'-TGTAGTTTATTCGGTTGAGTTTGGCTAACATGATTTCTGGTGTATCAGGCATGACATGAA[T>C]AGTTTTCTTGTCATTGTCCCAGGCTTCAGTATATAAGCGCTACAAAAAAAAAAAAAAAAG-3'
Protein context (NP_001157980.2, residues 3696-3716): TEAWDNDKKT[Ile3706Val]HVMPDTPEIM